The following is an entry in ClinVar:

NM_001401501.2(MUC16):c.12039G>A (p.Ala4013=)

Gene: MUC16 (mucin 16, cell surface associated; minus strand). Cytogenetic location: 19p13.2.
Variant type: single nucleotide variant.
Coding change: c.12039G>A on transcript NM_001401501.2 (MANE Select); coding-DNA position 12039, G replaced by A.
Protein change: p.Ala4013=; no amino-acid change (alanine 4013 retained).
Molecular consequence: synonymous variant.
Genome position (GRCh38, 1-based): chr19:8,964,851, C>T on the plus strand (G>A on the coding strand, the complement: MUC16 is on the minus strand). VCF-style: chr19-8964851-C-T. GRCh37 (hg19) VCF-style: chr19-9075527-C-T.
Other names: c.12465G>A, p.Ala4155= (NM_001414686.1); c.11919G>A, p.Ala3973= (NM_001414687.1, NM_024690.2).
Identifiers: ClinVar variation 3042264 (VCV003042264.2), dbSNP rs188896376, ClinGen allele CA9171147.

ClinVar aggregate classification (germline): Likely benign (0 of 4 stars; one submission).

Conditions:
MUC16-related disorder. Also called: MUC16-related condition.

Allele frequency attached by ClinVar (database versions not stated): ExAC 0.00005; TOPMed 0.00023; 1000 Genomes Project 0.00080; 1000 Genomes Project 30x 0.00094.

Submission:

PreventionGenetics, part of Exact Sciences
Classification: Likely benign for MUC16-related condition. Last evaluated: 2019-05-08. Review status: no assertion criteria provided. Collection method: clinical testing. Allele origin: germline.
Comment: This variant is classified as likely benign based on ACMG/AMP sequence variant interpretation guidelines (Richards et al. 2015 PMID: 25741868, with internal and published modifications).